The following is an entry in ClinVar:

ClinVar aggregate classification (germline): Pathogenic. Review status: criteria provided, multiple submitters, no conflicts (2 of 4 stars). 7 submissions from 7 submitters: Pathogenic (6). 1 of the submissions does not count toward it. Last evaluated 2025-02-26.

Conditions:
Hereditary cancer-predisposing syndrome. Also called: Tumor predisposition; Neoplastic Syndromes, Hereditary; Hereditary Cancer Syndrome; Hereditary neoplastic syndrome. Identifiers: Orphanet 140162, MedGen C0027672, MeSH D009386, MONDO:0015356.
Breast-ovarian cancer, familial, susceptibility to, 1 (BROVCA1). Also called: BRCA1 Hereditary Breast and Ovarian Cancer; OVARIAN CANCER, SUSCEPTIBILITY TO. Identifiers: Orphanet 145, MedGen C2676676, MONDO:0011450, OMIM 604370. Disease mechanism: loss of function.
Hereditary breast ovarian cancer syndrome. Also called: Hereditary breast and ovarian cancer; Hereditary breast and ovarian cancer syndrome; Hereditary breast and ovarian cancer syndrome (HBOC); Breast and ovarian cancer; BRCA1- and BRCA2-Associated Hereditary Breast and Ovarian Cancer; Hereditary breast and/or ovarian cancer syndrome. Identifiers: Orphanet 145, MedGen C0677776, MeSH D061325, MONDO:0003582. Disease mechanism: loss of function.
BRCA1-related disorder. Also called: BRCA1-related condition.

Submissions (7):

Labcorp Genetics (formerly Invitae), Labcorp
Classification: Pathogenic for Hereditary breast ovarian cancer syndrome. Last evaluated: 2025-02-26. Review status: criteria provided, single submitter. Criteria: Invitae Variant Classification Sherloc (09022015). Collection method: clinical testing. Allele origin: germline.
Comment: This sequence change creates a premature translational stop signal (p.Asn16*) in the BRCA1 gene. It is expected to result in an absent or disrupted protein product. Loss-of-function variants in BRCA1 are known to be pathogenic (PMID: 20104584). This variant is not present in population databases (gnomAD no frequency). This variant has not been reported in the literature in individuals affected with BRCA1-related conditions. ClinVar contains an entry for this variant (Variation ID: 570400). For these reasons, this variant has been classified as Pathogenic.

Ambry Genetics
Classification: Pathogenic for Hereditary cancer-predisposing syndrome. Last evaluated: 2024-11-09. Review status: criteria provided, single submitter. Criteria: Ambry Variant Classification Scheme 2023. Collection method: clinical testing. Allele origin: germline.
Comment: The c.45dupT pathogenic mutation, located in coding exon 1 of the BRCA1 gene, results from a duplication of T at nucleotide position 45, causing a translational frameshift with a predicted alternate stop codon (p.N16*). This alteration has been identified in multiple individuals with personal and/or family histories consistent with BRCA1-related cancer predisposition (Van der Merwe NC et al. Breast Cancer Res Treat, 2024 Sep;207:331-342; Van der Merwe NC et al. Front Genet, 2022 Apr;13:834265; Seymour HJ et al. S Afr Med J, 2016 Feb;106:264-7). One reported individual with a personal history of early-onset breast cancer was also identified to have a mutation in BRCA2 (Van der Merwe NC et al. Breast Cancer Res Treat, 2024 Sep;207:331-342). This variant is considered to be rare based on population cohorts in the Genome Aggregation Database (gnomAD). This alteration is expected to result in loss of function by premature protein truncation or nonsense-mediated mRNA decay. As such, this alteration is interpreted as a disease-causing mutation.

Blueprint Genetics
Classification: Pathogenic for BRCA1-related disorders. Last evaluated: 2024-08-19. Review status: criteria provided, single submitter. Criteria: ACMG Guidelines, 2015. Collection method: clinical testing. Allele origin: germline. Affected: yes. Observed: 4 variant alleles.

Division of Human Genetics, National Health Laboratory Service/University of the Witwatersrand
Classification: Pathogenic for Hereditary breast ovarian cancer syndrome. Last evaluated: 2023-07-01. Review status: criteria provided, single submitter. Criteria: ACMG Guidelines, 2015. Collection method: research. Allele origin: germline. Affected: yes.

Women's Health and Genetics/Laboratory Corporation of America, LabCorp
Classification: Pathogenic for Hereditary breast ovarian cancer syndrome. Last evaluated: 2022-12-19. Review status: criteria provided, single submitter. Criteria: LabCorp Variant Classification Summary - May 2015. Collection method: clinical testing. Allele origin: germline.
Comment: Variant summary: BRCA1 c.45dupT (p.Asn16X) results in a premature termination codon, predicted to cause a truncation of the encoded protein or absence of the protein due to nonsense mediated decay, which are commonly known mechanisms for disease. Truncations downstream of this position have been classified as pathogenic by our laboratory. The variant was absent in 251110 control chromosomes. c.45dupT has been reported in the literature in multiple individuals affected with Hereditary Breast And Ovarian Cancer Syndrome (Seymour_2016, Gardiner_2019, Van der Merwe_2022). These data indicate that the variant is very likely to be associated with disease. To our knowledge, no experimental evidence demonstrating an impact on protein function has been reported. Two laboratories have submitted clinical-significance assessments for this variant to ClinVar after 2014, and both classified the variant as pathogenic. Based on the evidence outlined above, the variant was classified as pathogenic.

National Health Laboratory Service, Universitas Academic Hospital and University of the Free State
Classification: Pathogenic for Hereditary breast ovarian cancer syndrome. Last evaluated: 2021-11-16. Review status: criteria provided, single submitter. Criteria: ACMG Guidelines, 2015. Collection method: clinical testing. Allele origin: germline. Affected: yes. Observed: 3 variant alleles.

BRCAlab, Lund University
Classification: Pathogenic for Breast-ovarian cancer, familial, susceptibility to, 1. Last evaluated: 2020-03-02. Review status: no assertion criteria provided. Collection method: clinical testing. Allele origin: germline. Affected: yes. Not counted in ClinVar's aggregate classification.

Literature cited by the submitters: PubMed 20104584 (cited by Labcorp Genetics (formerly Invitae), Labcorp); PubMed 26915939 (cited by Ambry Genetics and Women's Health and Genetics/Laboratory Corporation of America, LabCorp); PubMed 35464868 (cited by Ambry Genetics and Women's Health and Genetics/Laboratory Corporation of America, LabCorp); PubMed 38814507 (cited by Ambry Genetics); PubMed 31456542 (cited by Women's Health and Genetics/Laboratory Corporation of America, LabCorp); DOI 10.3389/fgene.2022.834265 (cited by National Health Laboratory Service, Universitas Academic Hospital and University of the Free State).

NM_007294.4(BRCA1):c.45dup (p.Asn16Ter)

Gene: BRCA1 (BRCA1 DNA repair associated; minus strand). Cytogenetic location: 17q21.31.
Variant type: Duplication.
Coding change: c.45dup on transcript NM_007294.4 (MANE Select); coding-DNA position 45, one base duplicated (T; older notation c.45dupT).
Protein change: p.Asn16Ter; replaces asparagine 16 with a stop codon.
Molecular consequence: nonsense. On other transcripts: frameshift variant (196), 5 prime UTR variant (1), non-coding transcript variant (1).
Genome position (GRCh38, 1-based): chr17:43,124,052, A duplicated on the plus strand (T on the coding strand, the reverse complement: BRCA1 is on the minus strand); the first of 2 consecutive A bases (chr17:43,124,052-43,124,053); duplicating either gives the same sequence. VCF-style (leftmost placement, unchanged base first): chr17-43124051-T-TA. GRCh37 (hg19) VCF-style: chr17-41276068-T-TA.
Other names: NP_009225.1:p.Asn16Ter; c.45dup, p.Asn16Ter (NM_007294.3, NM_007299.4, NM_007300.4); c.45dupT (NM_007294.3); c.-145dup (NM_001407571.1, NM_001407853.1, NM_001407879.1 and 46 more transcripts); c.44dup, p.Asn16Terfs (NM_001407581.1, NM_001407582.1, NM_001407583.1 and 191 more transcripts); c.-214dup (NM_001407694.1, NM_001407724.1, NM_001407727.1 and 11 more transcripts); c.-218dup (NM_001407695.1, NM_001408465.1); c.-359dup (NM_001407696.1); and 12 more; short protein forms N16*.
Identifiers: ClinVar variation 570400 (VCV000570400.37), dbSNP rs730881457, ClinGen allele CA891843742.